The following is an entry in ClinVar:

ClinVar aggregate classification (germline): Uncertain significance. Review status: criteria provided, multiple submitters, no conflicts (2 of 4 stars). 2 submissions from 2 submitters: Uncertain significance (2). Last evaluated 2025-09-09.

Conditions:
Inborn genetic diseases. Identifiers: MedGen C0950123, MeSH D030342.

gnomAD v4.1: 14 of 1,614,200 alleles (0.00087%); highest among the groups gnomAD compares: Non-Finnish European, 0.0011%; no homozygotes.

Submissions (2):

Ambry Genetics
Classification: Uncertain significance for Inborn genetic diseases. Last evaluated: 2025-09-09. Review status: criteria provided, single submitter. Criteria: Ambry Variant Classification Scheme 2023. Collection method: clinical testing. Allele origin: germline.

Labcorp Genetics (formerly Invitae), Labcorp
Classification: Uncertain significance. Last evaluated: 2023-10-05. Review status: criteria provided, single submitter. Criteria: Invitae Variant Classification Sherloc (09022015). Collection method: clinical testing. Allele origin: germline.
Comment: This sequence change replaces cysteine, which is neutral and slightly polar, with phenylalanine, which is neutral and non-polar, at codon 736 of the DSG1 protein (p.Cys736Phe). This variant is not present in population databases (gnomAD no frequency). This variant has not been reported in the literature in individuals affected with DSG1-related conditions. ClinVar contains an entry for this variant (Variation ID: 2339993). Advanced modeling of protein sequence and biophysical properties (such as structural, functional, and spatial information, amino acid conservation, physicochemical variation, residue mobility, and thermodynamic stability) performed at Invitae indicates that this missense variant is not expected to disrupt DSG1 protein function. In summary, the available evidence is currently insufficient to determine the role of this variant in disease. Therefore, it has been classified as a Variant of Uncertain Significance.

NM_001942.4(DSG1):c.2207G>T (p.Cys736Phe)

Genes: DSG1-AS1 (DSG1 antisense RNA 1; minus strand), DSG1 (desmoglein 1; plus strand), LOC126862720 (MED14-independent group 3 enhancer GRCh37_chr18:28933613-28934812; plus strand). Cytogenetic location: 18q12.1.
Variant type: single nucleotide variant.
Coding change: c.2207G>T on transcript NM_001942.4 (MANE Select); coding-DNA position 2207, G replaced by T.
Protein change: p.Cys736Phe; replaces cysteine 736 with phenylalanine.
Molecular consequence: missense variant. On other transcripts: non-coding transcript variant (1).
Genome position (GRCh38, 1-based): chr18:31,354,403, G>T. VCF-style: chr18-31354403-G-T. GRCh37 (hg19) VCF-style: chr18-28934366-G-T.
Other names: short protein forms C736F.
Identifiers: ClinVar variation 2339993 (VCV002339993.6), dbSNP rs2510845446, ClinGen allele CA402121272.